The following is an entry in ClinVar:

NM_001142800.2(EYS):c.7171G>A (p.Gly2391Arg)

Gene: EYS (EGF-like photoreceptor maintenance factor; minus strand). Cytogenetic location: 6q12.
Variant type: single nucleotide variant.
Coding change: c.7171G>A on transcript NM_001142800.2 (MANE Select); coding-DNA position 7171, G replaced by A.
Protein change: p.Gly2391Arg; replaces glycine 2391 with arginine.
Molecular consequence: missense variant.
Genome position (GRCh38, 1-based): chr6:63,864,243, C>T on the plus strand (G>A on the coding strand, the complement: EYS is on the minus strand). VCF-style: chr6-63864243-C-T. GRCh37 (hg19) VCF-style: chr6-64574136-C-T.
Other names: c.7171G>A, p.Gly2391Arg (NM_001292009.2); c.7171G>A (NM_001142800.1); short protein forms G2391R.
Identifiers: ClinVar variation 991096 (VCV000991096.7), dbSNP rs751746614, ClinGen allele CA3876836.
Genomic context (GRCh38, chr6:63,864,243, plus strand): 5'-TACCATCAGTGCAGAGGGGTCCAGACCTCCCATATGGGCAGAGGCAGACAATATCTGTTC[C>T]GGATTTTGGAACACAGGTGGCACCATTTCCACATGGGTTGTTTTCACAACTTGCAAACTG-3'
Protein context (NP_001136272.1, residues 2381-2401): GNGATCVPKS[Gly2391Arg]TDIVCLCPYG

ClinVar aggregate classification (germline): Uncertain significance. Review status: criteria provided, multiple submitters, no conflicts (2 of 4 stars). 6 submissions from 6 submitters: Uncertain significance (5). 1 of the submissions does not count toward it. Last evaluated 2026-01-26.

Conditions:
Inborn genetic diseases. Identifiers: MedGen C0950123, MeSH D030342.
Retinitis pigmentosa 25 (RP25). Identifiers: Orphanet 791, MedGen C1864446, MONDO:0011272, OMIM 602772.
EYS-related disorder. Also called: EYS-related condition.
Autosomal recessive retinitis pigmentosa. Identifiers: MedGen C0339526.

Allele frequency attached by ClinVar (database versions not stated): gnomAD exomes 0.00004 and 0.00009; gnomAD 0.00007; ExAC 0.00010; TOPMed 0.00011.
gnomAD v4.1: 142 of 1,550,810 alleles (0.0092%); highest among the groups gnomAD compares: Non-Finnish European, 0.011%; no homozygotes.

Submissions (6):

PreventionGenetics, part of Exact Sciences
Classification: Uncertain significance for EYS-related condition. Last evaluated: 2026-01-26. Review status: criteria provided, single submitter. Criteria: ACMG Guidelines, 2015. Collection method: clinical testing. Allele origin: germline.
Comment: The EYS c.7171G>A variant is predicted to result in the amino acid substitution p.Gly2391Arg. To our knowledge, this variant has not been reported in the literature. This variant is reported in 0.0066% of alleles in individuals of European (Non-Finnish) descent in gnomAD. At this time, the clinical significance of this variant is uncertain due to the absence of conclusive functional and genetic evidence.

Blueprint Genetics
Classification: Uncertain significance. Last evaluated: 2024-09-25. Review status: criteria provided, single submitter. Criteria: ACMG Guidelines, 2015. Collection method: clinical testing. Allele origin: germline.

Labcorp Genetics (formerly Invitae), Labcorp
Classification: Uncertain significance. Last evaluated: 2022-10-13. Review status: criteria provided, single submitter. Criteria: Invitae Variant Classification Sherloc (09022015). Collection method: clinical testing. Allele origin: germline.
Comment: This sequence change replaces glycine, which is neutral and non-polar, with arginine, which is basic and polar, at codon 2391 of the EYS protein (p.Gly2391Arg). This variant is present in population databases (rs751746614, gnomAD 0.007%). This variant has not been reported in the literature in individuals affected with EYS-related conditions. ClinVar contains an entry for this variant (Variation ID: 991096). Algorithms developed to predict the effect of missense changes on protein structure and function output the following: SIFT: "Tolerated"; PolyPhen-2: "Benign"; Align-GVGD: "Class C0". The arginine amino acid residue is found in multiple mammalian species, which suggests that this missense change does not adversely affect protein function. In summary, the available evidence is currently insufficient to determine the role of this variant in disease. Therefore, it has been classified as a Variant of Uncertain Significance.

Ambry Genetics
Classification: Uncertain significance for Inborn genetic diseases. Last evaluated: 2021-11-22. Review status: criteria provided, single submitter. Criteria: Ambry Variant Classification Scheme 2023. Collection method: clinical testing. Allele origin: germline.

Fulgent Genetics
Classification: Uncertain significance for Retinitis pigmentosa 25. Last evaluated: 2021-07-29. Review status: criteria provided, single submitter. Criteria: ACMG Guidelines, 2015. Collection method: clinical testing. Allele origin: unknown.

Natera, Inc.
Classification: Uncertain significance for Autosomal recessive retinitis pigmentosa. Last evaluated: 2020-09-09. Review status: no assertion criteria provided. Collection method: clinical testing. Allele origin: germline. Not counted in ClinVar's aggregate classification.